The following is an entry in ClinVar:

ClinVar aggregate classification (germline): Conflicting classifications of pathogenicity. Review status: criteria provided, conflicting classifications (1 of 4 stars). 6 submissions from 6 submitters: Uncertain significance (3); Likely benign (2). 1 of the submissions does not count toward it. Last evaluated 2026-01-19.

Conditions:
Fanconi anemia complementation group C (FANCC). Also called: FANCONI PANCYTOPENIA, TYPE 3; FACC; Fanconi anemia, group C; FANCC-Related Fanconi Anemia. Identifiers: Orphanet 84, MedGen C3468041, MONDO:0009213, OMIM 227645.
Hereditary cancer. Identifiers: MedGen C1333600.
Hereditary cancer-predisposing syndrome. Also called: Neoplastic Syndromes, Hereditary; Hereditary Cancer Syndrome; Tumor predisposition; Hereditary neoplastic syndrome. Identifiers: Orphanet 140162, MedGen C0027672, MeSH D009386, MONDO:0015356.
Fanconi anemia (FA). Also called: Fanconi's anemia. Identifiers: Orphanet 84, MedGen C0015625, MeSH D005199, MONDO:0019391.

Allele frequency attached by ClinVar (database versions not stated): gnomAD 0.00001.
gnomAD v4.1: 13 of 1,613,814 alleles (0.00081%); highest among the groups gnomAD compares: Admixed American, 0.01%; no homozygotes.

Submissions (6):

Labcorp Genetics (formerly Invitae), Labcorp
Classification: Uncertain significance for Fanconi anemia. Last evaluated: 2026-01-19. Review status: criteria provided, single submitter. Criteria: Invitae Variant Classification Sherloc (09022015). Collection method: clinical testing. Allele origin: germline.
Comment: This sequence change replaces glutamine, which is neutral and polar, with glutamic acid, which is acidic and polar, at codon 357 of the FANCC protein (p.Gln357Glu). This variant is present in population databases (rs759900071, gnomAD 0.01%). This missense change has been observed in individual(s) with breast cancer (PMID: 35264596). ClinVar contains an entry for this variant (Variation ID: 584738). Invitae Evidence Modeling of protein sequence and biophysical properties (such as structural, functional, and spatial information, amino acid conservation, physicochemical variation, residue mobility, and thermodynamic stability) indicates that this missense variant is not expected to disrupt FANCC protein function with a negative predictive value of 80%. In summary, the available evidence is currently insufficient to determine the role of this variant in disease. Therefore, it has been classified as a Variant of Uncertain Significance.

Quest Diagnostics Nichols Institute San Juan Capistrano
Classification: Uncertain significance. Last evaluated: 2025-02-21. Review status: criteria provided, single submitter. Criteria: Quest Diagnostics criteria. Collection method: clinical testing. Allele origin: unknown.
Comment: The FANCC c.1069C>G (p.Gln357Glu) variant has been reported in the published literature in at least one individual with breast cancer (PMID: 35264596 (2022)). The frequency of this variant in the general population (Genome Aggregation Database) is uninformative in the assessment of its pathogenicity. Analysis of this variant using bioinformatics tools for the prediction of the effect of amino acid changes on protein structure and function yielded predictions that this variant is benign. Based on the available information, we are unable to determine the clinical significance of this variant.

Mendelics
Classification: Likely benign for Hereditary cancer. Last evaluated: 2024-01-23. Review status: criteria provided, single submitter. Criteria: ACMG Guidelines, 2015. Collection method: clinical testing. Allele origin: unknown.

Ambry Genetics
Classification: Likely benign for Hereditary cancer-predisposing syndrome. Last evaluated: 2023-12-28. Review status: criteria provided, single submitter. Criteria: Ambry Variant Classification Scheme 2023. Collection method: clinical testing. Allele origin: germline.

Fulgent Genetics
Classification: Uncertain significance for Fanconi anemia complementation group C. Last evaluated: 2022-02-25. Review status: criteria provided, single submitter. Criteria: ACMG Guidelines, 2015. Collection method: clinical testing. Allele origin: unknown.

Natera, Inc.
Classification: Uncertain significance for Fanconi anemia. Last evaluated: 2019-02-26. Review status: no assertion criteria provided. Collection method: clinical testing. Allele origin: germline. Not counted in ClinVar's aggregate classification.

Literature cited by the submitters: PubMed 35264596 (cited by Labcorp Genetics (formerly Invitae), Labcorp and Quest Diagnostics Nichols Institute San Juan Capistrano).

NM_000136.3(FANCC):c.1069C>G (p.Gln357Glu)

Genes: AOPEP (aminopeptidase O (putative); plus strand), FANCC (FA complementation group C; minus strand). Cytogenetic location: 9q22.32.
Variant type: single nucleotide variant.
Coding change: c.1069C>G on transcript NM_000136.3 (MANE Select); coding-DNA position 1069, C replaced by G.
Protein change: p.Gln357Glu; replaces glutamine 357 with glutamic acid.
Molecular consequence: missense variant.
Genome position (GRCh38, 1-based): chr9:95,117,318, G>C on the plus strand (C>G on the coding strand, the complement: FANCC is on the minus strand). VCF-style: chr9-95117318-G-C. GRCh37 (hg19) VCF-style: chr9-97879600-G-C.
Other names: c.1069C>G, p.Gln357Glu (NM_001243743.2, NM_001243744.2); short protein forms Q357E.
Identifiers: ClinVar variation 584738 (VCV000584738.14), dbSNP rs759900071, ClinGen allele CA5137482.